The following is an entry in ClinVar:

ClinVar aggregate classification (germline): Likely pathogenic (1 of 4 stars; one submission).

Conditions:
Autosomal recessive nonsyndromic hearing loss 124. Also called: DEAFNESS, AUTOSOMAL RECESSIVE 124. Identifiers: MedGen C5935612, MONDO:0968981, OMIM 620794.

Submission:

Variantyx, Inc.
Classification: Likely pathogenic for Autosomal recessive nonsyndromic hearing loss 124. Last evaluated: 2025-06-20. Review status: criteria provided, single submitter. Criteria: Variantyx Assertion Criteria 2022. Collection method: clinical testing. Allele origin: germline. Inheritance: Autosomal recessive inheritance. Affected: no.
Comment: This is a frameshift variant in the PKHD1L1 gene (OMIM: 607843). Pathogenic variants in this gene have been associated with autosomal recessive deafness 124. This variant introduces a premature termination codon in exon 43 out of 78 and is expected to result in loss of function, which is a known disease mechanism for PKHD1L1 in this disorder (PMID: 38459354) (PVS1). This variant has a 0.0071% maximum allele frequency in non-founder control populations (PM2) and has not been reported in individuals with PKHD1L1-related disorders in the databases available for review. Based on the current evidence, this variant is classified as likely pathogenic for autosomal recessive deafness 124.

Literature cited by the submitters: PubMed 38459354.

NM_177531.6(PKHD1L1):c.6563del (p.Gly2188fs)

Gene: PKHD1L1 (PKHD1 like 1; plus strand). Cytogenetic location: 8q23.1.
Variant type: Deletion.
Coding change: c.6563del on transcript NM_177531.6 (MANE Select); coding-DNA position 6563, one base deleted (G; older notation c.6563delG).
Protein change: p.Gly2188fs; shifts the reading frame from glycine 2188.
Molecular consequence: frameshift variant.
Genome position (GRCh38, 1-based): chr8:109,452,773, G deleted; the last of 7 consecutive G bases (chr8:109,452,767-109,452,773); deleting any one gives the same sequence. VCF-style (leftmost placement, unchanged base first): chr8-109452766-TG-T. GRCh37 (hg19) VCF-style: chr8-110464995-TG-T.
Other names: short protein forms G2188fs.
Identifiers: ClinVar variation 4813844 (VCV004813844.1).
Genomic context (GRCh38, chr8:109,452,766, plus strand): 5'-GTTCTATTACAGGATAATGCTGACTTTCTTTATGTTGATGCCTGGTCCTCCAATTTCTCA[TG>T]GGGGGGAAAATCTCCCCCAGAAGAAGGATCTCTTGTTGTTATTACAAAAGGACAGACCAT-3'